The following is an entry in ClinVar:

NM_001876.4(CPT1A):c.1960G>A (p.Asp654Asn)

Gene: CPT1A (carnitine palmitoyltransferase 1A; minus strand). Cytogenetic location: 11q13.3.
Variant type: single nucleotide variant.
Coding change: c.1960G>A on transcript NM_001876.4 (MANE Select); coding-DNA position 1960, G replaced by A.
Protein change: p.Asp654Asn; replaces aspartic acid 654 with asparagine.
Molecular consequence: missense variant.
Genome position (GRCh38, 1-based): chr11:68,761,603, C>T on the plus strand (G>A on the coding strand, the complement: CPT1A is on the minus strand). VCF-style: chr11-68761603-C-T. GRCh37 (hg19) VCF-style: chr11-68529071-C-T.
Other names: c.1960G>A (NM_001876.3); c.1960G>A, p.Asp654Asn (NM_001031847.3); short protein forms D654N.
Identifiers: ClinVar variation 1199289 (VCV001199289.6), dbSNP rs1417413074, ClinGen allele CA381626679.
Genomic context (GRCh38, chr11:68,761,603, plus strand): 5'-GGAAAGGGGACTCCACAGCGAGATATTTAGACACCACGTAAAGGCAGAAGAGGTGACGAT[C>T]GATCCCAGAGCCGGTCATGGCGAGGCGATACATATGCTGATGCTTCTCAGACGCCAACTT-3'
Protein context (NP_001867.2, residues 644-664): YRLAMTGSGI[Asp654Asn]RHLFCLYVVS

ClinVar aggregate classification (germline): Uncertain significance. Review status: criteria provided, multiple submitters, no conflicts (2 of 4 stars). 3 submissions from 3 submitters: Uncertain significance (3). Last evaluated 2025-02-05.

Conditions:
Inborn genetic diseases. Identifiers: MedGen C0950123, MeSH D030342.
Carnitine palmitoyl transferase 1A deficiency. Also called: CPT I DEFICIENCY; CPT DEFICIENCY, HEPATIC, TYPE I; CPT deficiency, hepatic, type IA; Carnitine palmitoyltransferase type I deficiency; Carnitine palmitoyltransferase 1A deficiency. Identifiers: Orphanet 156, MedGen C1829703, MONDO:0009705, OMIM 255120.

Allele frequency attached by ClinVar (database versions not stated): gnomAD exomes below 0.00001; gnomAD 0.00001; TOPMed 0.00001.
gnomAD v4.1: 5 of 1,614,074 alleles (0.00031%); highest among the groups gnomAD compares: Non-Finnish European, 0.00034%; no homozygotes.

Submissions (3):

Ambry Genetics
Classification: Uncertain significance for Inborn genetic diseases. Last evaluated: 2025-02-05. Review status: criteria provided, single submitter. Criteria: Ambry Variant Classification Scheme 2023. Collection method: clinical testing. Allele origin: germline.

Genome-Nilou Lab
Classification: Uncertain significance for Carnitine palmitoyl transferase 1A deficiency. Last evaluated: 2021-07-14. Review status: criteria provided, single submitter. Criteria: ACMG Guidelines, 2015. Collection method: clinical testing. Allele origin: germline. Affected: no.

Juno Genomics, Hangzhou Juno Genomics, Inc
Classification: Uncertain significance for Carnitine palmitoyl transferase 1A deficiency. Review status: criteria provided, single submitter. Criteria: ACMG Guidelines, 2015. Collection method: clinical testing. Allele origin: germline. Affected: yes.
Comment: Absent from controls (or at extremely low frequency if recessive) in Genome Aggregation Database, Exome Sequencing Project, 1000 Genomes Project, or Exome Aggregation Consortium.;Multiple lines of computational evidence support a deleterious effect on the gene or gene product (conservation, evolutionary, splicing impact, etc).;Patient's phenotype or family history is highly specific for a disease with a single genetic etiology.